The following is an entry in ClinVar:

NM_001830.4(CLCN4):c.749G>C (p.Gly250Ala)

Gene: CLCN4 (chloride voltage-gated channel 4; plus strand). Cytogenetic location: Xp22.2.
Variant type: single nucleotide variant.
Coding change: c.749G>C on transcript NM_001830.4 (MANE Select); coding-DNA position 749, G replaced by C.
Protein change: p.Gly250Ala; replaces glycine 250 with alanine.
Molecular consequence: missense variant.
Genome position (GRCh38, 1-based): chrX:10,206,551, G>C. VCF-style: chrX-10206551-G-C. GRCh37 (hg19) VCF-style: chrX-10174591-G-C.
Other names: c.467G>C, p.Gly156Ala (NM_001256944.2); short protein forms G156A, G250A.
Identifiers: ClinVar variation 1965506 (VCV001965506.5), dbSNP rs2518884349, ClinGen allele CA412037028.

ClinVar aggregate classification (germline): Uncertain significance (1 of 4 stars; one submission).

Allele frequency attached by ClinVar (database versions not stated): gnomAD exomes below 0.00001.
gnomAD v4.1: 1 of 1,210,039 alleles (0.000083%); highest among the groups gnomAD compares: Non-Finnish European, 0.00011%; no homozygotes.

Submission:

Labcorp Genetics (formerly Invitae), Labcorp
Classification: Uncertain significance. Last evaluated: 2022-09-14. Review status: criteria provided, single submitter. Criteria: Invitae Variant Classification Sherloc (09022015). Collection method: clinical testing. Allele origin: germline.
Comment: In summary, the available evidence is currently insufficient to determine the role of this variant in disease. Therefore, it has been classified as a Variant of Uncertain Significance. This sequence change replaces glycine, which is neutral and non-polar, with alanine, which is neutral and non-polar, at codon 250 of the CLCN4 protein (p.Gly250Ala). This variant is not present in population databases (gnomAD no frequency). This variant has not been reported in the literature in individuals affected with CLCN4-related conditions. Advanced modeling of protein sequence and biophysical properties (such as structural, functional, and spatial information, amino acid conservation, physicochemical variation, residue mobility, and thermodynamic stability) performed at Invitae indicates that this missense variant is not expected to disrupt CLCN4 protein function.